The following is an entry in ClinVar:

NM_001130144.3(LTBP3):c.2057A>G (p.Asn686Ser)

Gene: LTBP3 (latent transforming growth factor beta binding protein 3; minus strand). Cytogenetic location: 11q13.1.
Variant type: single nucleotide variant.
Coding change: c.2057A>G on transcript NM_001130144.3 (MANE Select); coding-DNA position 2057, A replaced by G.
Protein change: p.Asn686Ser; replaces asparagine 686 with serine.
Molecular consequence: missense variant.
Genome position (GRCh38, 1-based): chr11:65,547,489, T>C on the plus strand (A>G on the coding strand, the complement: LTBP3 is on the minus strand). VCF-style: chr11-65547489-T-C. GRCh37 (hg19) VCF-style: chr11-65314960-T-C.
Other names: c.1706A>G, p.Asn569Ser (NM_001164266.1); c.2057A>G, p.Asn686Ser (NM_021070.4); short protein forms N686S, N569S.
Identifiers: ClinVar variation 1785144 (VCV001785144.7), dbSNP rs140595871, ClinGen allele CA6100756.
Genomic context (GRCh38, chr11:65,547,489, plus strand): 5'-GTCCCCTCACCTTCGCACACAGGAGGCCGGGAGGCTTTGAGCCGGTAGCCGGGGTAGCAG[T>C]TGCACTTGTAGTGACCGGGAAAGTTGATGCAGAAGCCGCCGTCGCCGCACAGGTGGGGCT-3'
Protein context (NP_001123616.1, residues 676-696): CINFPGHYKC[Asn686Ser]CYPGYRLKAS

ClinVar aggregate classification (germline): Uncertain significance. Review status: criteria provided, multiple submitters, no conflicts (2 of 4 stars). 2 submissions from 2 submitters: Uncertain significance (2). Last evaluated 2024-11-17.

Conditions:
Brachyolmia-amelogenesis imperfecta syndrome. Also called: Tooth agenesis, selective, 6; Dental anomalies and short stature; PLATYSPONDYLY WITH AMELOGENESIS IMPERFECTA. Identifiers: Orphanet 2899, MedGen C1832594, MONDO:0011018, OMIM 601216. Disease mechanism: loss of function.
Inborn genetic diseases. Identifiers: MedGen C0950123, MeSH D030342.

Allele frequency attached by ClinVar (database versions not stated): TOPMed below 0.00001; ExAC 0.00001; gnomAD exomes 0.00002; ESP Exome Variant Server 0.00008.
gnomAD v4.1: 31 of 1,614,164 alleles (0.0019%); highest among the groups gnomAD compares: Non-Finnish European, 0.0025%; no homozygotes.

Submissions (2):

Labcorp Genetics (formerly Invitae), Labcorp
Classification: Uncertain significance for Brachyolmia-amelogenesis imperfecta syndrome. Last evaluated: 2024-11-17. Review status: criteria provided, single submitter. Criteria: Invitae Variant Classification Sherloc (09022015). Collection method: clinical testing. Allele origin: germline.
Comment: This sequence change replaces asparagine, which is neutral and polar, with serine, which is neutral and polar, at codon 686 of the LTBP3 protein (p.Asn686Ser). This variant is present in population databases (rs140595871, gnomAD 0.0009%). This variant has not been reported in the literature in individuals affected with LTBP3-related conditions. ClinVar contains an entry for this variant (Variation ID: 1785144). An algorithm developed to predict the effect of missense changes on protein structure and function outputs the following: PolyPhen-2: "Benign". The serine amino acid residue is found in multiple mammalian species, which suggests that this missense change does not adversely affect protein function. In summary, the available evidence is currently insufficient to determine the role of this variant in disease. Therefore, it has been classified as a Variant of Uncertain Significance.

Ambry Genetics
Classification: Uncertain significance for Inborn genetic diseases. Last evaluated: 2021-11-22. Review status: criteria provided, single submitter. Criteria: Ambry Variant Classification Scheme 2023. Collection method: clinical testing. Allele origin: germline.
Comment: The p.N686S variant (also known as c.2057A>G), located in coding exon 14 of the LTBP3 gene, results from an A to G substitution at nucleotide position 2057. The asparagine at codon 686 is replaced by serine, an amino acid with highly similar properties. This amino acid position is conserved. In addition, this alteration is predicted to be tolerated by in silico analysis. Since supporting evidence is limited at this time, the clinical significance of this alteration remains unclear.